The following is an entry in ClinVar:

NC_000003.12:g.10141762_10141816del

Gene: VHL (von Hippel-Lindau tumor suppressor; plus strand). Cytogenetic location: 3p25.3.
Variant type: Deletion.
Genome position: GRCh38: chr3:10,141,762-10,141,816. GRCh37 (hg19): chr3:10,183,446-10,183,500.
Identifiers: ClinVar variation 2954173 (VCV002954173.3), dbSNP rs2470156528, ClinGen allele CA2740090892.

ClinVar aggregate classification (germline): Uncertain significance (1 of 4 stars; one submission).

Conditions:
Von Hippel-Lindau syndrome (VHLS). Also called: VHL syndrome; Von Hippel-Lindau; von Hippel–Lindau syndrome. Identifiers: Orphanet 892, MedGen C0019562, MONDO:0008667, OMIM 193300. Disease mechanism: loss of function.
Chuvash polycythemia. Also called: POLYCYTHEMIA, VHL-DEPENDENT. Identifiers: Orphanet 238557, MedGen C1837915, MONDO:0009892, OMIM 263400.

Submission:

Labcorp Genetics (formerly Invitae), Labcorp
Classification: Uncertain significance for Von Hippel-Lindau syndrome; Chuvash polycythemia. Last evaluated: 2023-11-24. Review status: criteria provided, single submitter. Criteria: Invitae Variant Classification Sherloc (09022015). Collection method: clinical testing. Allele origin: germline.
Comment: This variant occurs in a non-coding region of the VHL gene. It does not change the encoded amino acid sequence of the VHL protein. This variant is not present in population databases (gnomAD no frequency). This variant has not been reported in the literature in individuals affected with VHL-related conditions. In summary, the available evidence is currently insufficient to determine the role of this variant in disease. Therefore, it has been classified as a Variant of Uncertain Significance.